The following is an entry in ClinVar:

ClinVar aggregate classification (germline): Uncertain significance (1 of 4 stars; one submission).

Allele frequency attached by ClinVar (database versions not stated): gnomAD exomes below 0.00001; gnomAD 0.00001; TOPMed 0.00002.
gnomAD v4.1: 4 of 1,613,956 alleles (0.00025%); highest among the groups gnomAD compares: Admixed American, 0.0017%; no homozygotes.

Submission:

Labcorp Genetics (formerly Invitae), Labcorp
Classification: Uncertain significance. Last evaluated: 2022-07-15. Review status: criteria provided, single submitter. Criteria: Invitae Variant Classification Sherloc (09022015). Collection method: clinical testing. Allele origin: germline.
Comment: In summary, the available evidence is currently insufficient to determine the role of this variant in disease. Therefore, it has been classified as a Variant of Uncertain Significance. Algorithms developed to predict the effect of missense changes on protein structure and function (SIFT, PolyPhen-2, Align-GVGD) all suggest that this variant is likely to be tolerated. This variant has not been reported in the literature in individuals affected with EPRS-related conditions. This variant is present in population databases (no rsID available, gnomAD 0.007%). This sequence change replaces lysine, which is basic and polar, with glutamic acid, which is acidic and polar, at codon 961 of the EPRS protein (p.Lys961Glu).

NM_004446.3(EPRS1):c.2881A>G (p.Lys961Glu)

Gene: EPRS1 (glutamyl-prolyl-tRNA synthetase 1; minus strand). Cytogenetic location: 1q41.
Variant type: single nucleotide variant.
Coding change: c.2881A>G on transcript NM_004446.3 (MANE Select); coding-DNA position 2881, A replaced by G.
Protein change: p.Lys961Glu; replaces lysine 961 with glutamic acid.
Molecular consequence: missense variant.
Genome position (GRCh38, 1-based): chr1:219,987,299, T>C on the plus strand (A>G on the coding strand, the complement: EPRS1 is on the minus strand). VCF-style: chr1-219987299-T-C. GRCh37 (hg19) VCF-style: chr1-220160641-T-C.
Other names: short protein forms K961E.
Identifiers: ClinVar variation 1960022 (VCV001960022.4), dbSNP rs1217411198, ClinGen allele CA344642243.